The following is an entry in ClinVar:

NM_001276270.2(MBD4):c.1210G>A (p.Glu404Lys)

Gene: MBD4 (methyl-CpG binding domain 4, DNA glycosylase; minus strand). Cytogenetic location: 3q21.3.
Variant type: single nucleotide variant.
Coding change: c.1210G>A on transcript NM_001276270.2 (MANE Select); coding-DNA position 1210, G replaced by A.
Protein change: p.Glu404Lys; replaces glutamic acid 404 with lysine.
Molecular consequence: missense variant.
Genome position (GRCh38, 1-based): chr3:129,434,110, C>T on the plus strand (G>A on the coding strand, the complement: MBD4 is on the minus strand). VCF-style: chr3-129434110-C-T. GRCh37 (hg19) VCF-style: chr3-129152953-C-T.
Other names: c.1228G>A, p.Glu410Lys (NM_001276271.2, NM_001276272.2, NM_003925.3); c.274G>A, p.Glu92Lys (NM_001276273.2); short protein forms E404K, E92K, E410K.
Identifiers: ClinVar variation 3689216 (VCV003689216.3).
Genomic context (GRCh38, chr3:129,434,110, plus strand): 5'-GGAAAGGGATACCTTCTTTGTTATATTTGCTGGAAAAATACAGGCTTGTTTTCCTTCTTT[C>T]TATCTGTGTTCGTGGGATGGTATCTTCTGAAAAGGAAAAGTAAACACTTTATGGAGTCTA-3'
Protein context (NP_001263199.1, residues 394-414): TEDTIPRTQI[Glu404Lys]RRKTSLYFSS

ClinVar aggregate classification (germline): Uncertain significance. Review status: criteria provided, multiple submitters, no conflicts (2 of 4 stars). 2 submissions from 2 submitters: Uncertain significance (2). Last evaluated 2025-07-07.

Conditions:
Inborn genetic diseases. Identifiers: MedGen C0950123, MeSH D030342.

Submissions (2):

Ambry Genetics
Classification: Uncertain significance for Inborn genetic diseases. Last evaluated: 2025-07-07. Review status: criteria provided, single submitter. Criteria: Ambry Variant Classification Scheme 2023. Collection method: clinical testing. Allele origin: germline.
Comment: The p.E404K variant (also known as c.1210G>A), located in coding exon 4 of the MBD4 gene, results from a G to A substitution at nucleotide position 1210. The glutamic acid at codon 404 is replaced by lysine, an amino acid with similar properties. This amino acid position is well conserved in available vertebrate species. In addition, the in silico prediction for this alteration is inconclusive. Based on the available evidence, the clinical significance of this variant remains unclear.

Labcorp Genetics (formerly Invitae), Labcorp
Classification: Uncertain significance. Last evaluated: 2024-04-24. Review status: criteria provided, single submitter. Criteria: Invitae Variant Classification Sherloc (09022015). Collection method: clinical testing. Allele origin: germline.
Comment: This sequence change replaces glutamic acid, which is acidic and polar, with lysine, which is basic and polar, at codon 410 of the MBD4 protein (p.Glu410Lys). This variant is not present in population databases (gnomAD no frequency). This variant has not been reported in the literature in individuals affected with MBD4-related conditions. An algorithm developed to predict the effect of missense changes on protein structure and function (PolyPhen-2) suggests that this variant is likely to be disruptive. In summary, the available evidence is currently insufficient to determine the role of this variant in disease. Therefore, it has been classified as a Variant of Uncertain Significance.